The following is an entry in ClinVar:

NM_006939.4(SOS2):c.3679T>G (p.Phe1227Val)

Gene: SOS2 (SOS Ras/Rho guanine nucleotide exchange factor 2; minus strand). Cytogenetic location: 14q21.3.
Variant type: single nucleotide variant.
Coding change: c.3679T>G on transcript NM_006939.4 (MANE Select); coding-DNA position 3679, T replaced by G.
Protein change: p.Phe1227Val; replaces phenylalanine 1227 with valine.
Molecular consequence: missense variant.
Genome position (GRCh38, 1-based): chr14:50,118,664, A>C on the plus strand (T>G on the coding strand, the complement: SOS2 is on the minus strand). VCF-style: chr14-50118664-A-C. GRCh37 (hg19) VCF-style: chr14-50585382-A-C.
Other names: c.3580T>G, p.Phe1194Val (NM_001411020.1); c.3679T>G (NM_006939.2); short protein forms F1194V, F1227V.
Identifiers: ClinVar variation 2504033 (VCV002504033.2), dbSNP rs2502757633, ClinGen allele CA389638280.

ClinVar aggregate classification (germline): Uncertain significance. Review status: criteria provided, multiple submitters, no conflicts (2 of 4 stars). 2 submissions from 2 submitters: Uncertain significance (2). Last evaluated 2026-06-09.

Conditions:
Cardiovascular phenotype. Identifiers: MedGen CN230736.

Allele frequency attached by ClinVar (database versions not stated): gnomAD exomes below 0.00001.
gnomAD v4.1: 1 of 1,613,614 alleles (0.000062%); highest among the groups gnomAD compares: Non-Finnish European, 0.000085%; no homozygotes.

Submissions (2):

Ambry Genetics
Classification: Uncertain significance for Cardiovascular phenotype. Last evaluated: 2026-06-09. Review status: criteria provided, single submitter. Criteria: Ambry Variant Classification Scheme 2023. Collection method: clinical testing. Allele origin: germline.
Comment: The p.F1227V variant (also known as c.3679T>G), located in coding exon 23 of the SOS2 gene, results from a T to G substitution at nucleotide position 3679. The phenylalanine at codon 1227 is replaced by valine, an amino acid with highly similar properties. This amino acid position is conserved. In addition, the in silico prediction for this alteration is inconclusive. Based on the available evidence, the clinical significance of this variant remains unclear.

Women's Health and Genetics/Laboratory Corporation of America, LabCorp
Classification: Uncertain significance. Last evaluated: 2023-04-16. Review status: criteria provided, single submitter. Criteria: LabCorp Variant Classification Summary - May 2015. Collection method: clinical testing. Allele origin: germline.